The following is an entry in ClinVar:

ClinVar aggregate classification (germline): Uncertain significance (1 of 4 stars; one submission).

Allele frequency attached by ClinVar (database versions not stated): gnomAD 0.00001; gnomAD exomes 0.00001; TOPMed 0.00001; ExAC 0.00003.
gnomAD v4.1: 10 of 1,194,321 alleles (0.00084%); highest among the groups gnomAD compares: Admixed American, 0.022%; no homozygotes.

Submission:

Labcorp Genetics (formerly Invitae), Labcorp
Classification: Uncertain significance. Last evaluated: 2023-08-23. Review status: criteria provided, single submitter. Criteria: Invitae Variant Classification Sherloc (09022015). Collection method: clinical testing. Allele origin: germline.
Comment: Variants that disrupt the consensus splice site are a relatively common cause of aberrant splicing (PMID: 17576681, 9536098). Algorithms developed to predict the effect of sequence changes on RNA splicing suggest that this variant is not likely to affect RNA splicing. ClinVar contains an entry for this variant (Variation ID: 2192295). This variant has not been reported in the literature in individuals affected with CACNA1F-related conditions. This variant is present in population databases (rs782356071, gnomAD 0.03%). This sequence change falls in intron 22 of the CACNA1F gene. It does not directly change the encoded amino acid sequence of the CACNA1F protein. It affects a nucleotide within the consensus splice site. In summary, the available evidence is currently insufficient to determine the role of this variant in disease. Therefore, it has been classified as a Variant of Uncertain Significance.

Literature cited by the submitters: PubMed 17576681; PubMed 9536098.

NM_001256789.3(CACNA1F):c.2733+5C>T

Gene: CACNA1F (calcium voltage-gated channel subunit alpha1 F; minus strand). Cytogenetic location: Xp11.23.
Variant type: single nucleotide variant.
Coding change: c.2733+5C>T on transcript NM_001256789.3 (MANE Select); 5 bases into the intron after coding-DNA position 2733, C replaced by T.
Molecular consequence: intron variant.
Genome position (GRCh38, 1-based): chrX:49,218,877, G>A on the plus strand (C>T on the coding strand, the complement: CACNA1F is on the minus strand). VCF-style: chrX-49218877-G-A. GRCh37 (hg19) VCF-style: chrX-49075336-G-A.
Other names: c.2766+5C>T (NM_005183.4); c.2571+5C>T (NM_001256790.3).
Identifiers: ClinVar variation 2192295 (VCV002192295.3), dbSNP rs782356071, ClinGen allele CA10410611.